The following is an entry in ClinVar:

NM_000092.5(COL4A4):c.134del (p.Gly45fs)

Gene: COL4A4 (collagen type IV alpha 4 chain; minus strand). Cytogenetic location: 2q36.3.
Variant type: Deletion.
Coding change: c.134del on transcript NM_000092.5 (MANE Select); coding-DNA position 134, one base deleted (G; older notation c.134delG).
Protein change: p.Gly45fs; shifts the reading frame from glycine 45.
Molecular consequence: frameshift variant.
Genome position (GRCh38, 1-based): chr2:227,140,219, C deleted on the plus strand (G on the coding strand, the reverse complement: COL4A4 is on the minus strand); the first of 2 consecutive C bases (chr2:227,140,219-227,140,220); deleting either gives the same sequence. VCF-style (leftmost placement, unchanged base first): chr2-227140218-AC-A. GRCh37 (hg19) VCF-style: chr2-228004934-AC-A.
Other names: short protein forms G45fs.
Identifiers: ClinVar variation 3383128 (VCV003383128.2).

ClinVar aggregate classification (germline): Likely pathogenic (1 of 4 stars; one submission).

Conditions:
Autosomal recessive Alport syndrome (ATS2). Also called: Alport syndrome type 2; ALPORT SYNDROME 2, AUTOSOMAL RECESSIVE; COL4A4 Alport Syndrome and Thin Basement Membrane Nephropathy; COL4A3-Related Nephropathy. Identifiers: Orphanet 63, Orphanet 88919, MedGen C4746745, MONDO:0008762, OMIM 203780.
Hematuria, benign familial, 1 (BFH1). Also called: THIN MEMBRANE NEPHROPATHY. Identifiers: MedGen CN376803, MONDO:0007709, OMIM 141200.

Submission:

Juno Genomics, Hangzhou Juno Genomics, Inc
Classification: Likely pathogenic for Autosomal recessive Alport syndrome; Hematuria, benign familial, 1. Review status: criteria provided, single submitter. Criteria: ACMG Guidelines, 2015. Collection method: clinical testing. Allele origin: germline. Affected: yes.
Comment: Null variant in a gene where loss of function (LOF) is a known mechanism of disease.;Absent from controls (or at extremely low frequency if recessive) in Genome Aggregation Database, Exome Sequencing Project, 1000 Genomes Project, or Exome Aggregation Consortium.